The following is an entry in ClinVar:

ClinVar aggregate classification (germline): Uncertain significance. Review status: criteria provided, single submitter (1 of 4 stars). 2 submissions from 2 submitters: Uncertain significance (1). 1 of the submissions does not count toward it. Last evaluated 2024-08-07.

Conditions:
ABCB4-related disorder. Also called: ABCB4-related disorders; ABCB4-related condition.
Progressive familial intrahepatic cholestasis type 3. Also called: MDR3 DEFICIENCY; Low Gamma-GT Familial Intrahepatic Cholestasis. Identifiers: Orphanet 79305, MedGen C1865643, MONDO:0011214, OMIM 602347.

gnomAD v4.1: 4 of 1,613,780 alleles (0.00025%); highest among the groups gnomAD compares: African/African-American, 0.0027%; no homozygotes.

Submissions (2):

3billion
Classification: Uncertain significance for Progressive familial intrahepatic cholestasis type 3. Last evaluated: 2024-08-07. Review status: criteria provided, single submitter. Criteria: ACMG Guidelines, 2015. Collection method: clinical testing. Allele origin: germline. Affected: yes.
Comment: The variant is observed at an extremely low frequency in the gnomAD v4.0.0 dataset (total allele frequency: <0.001%). Predicted Consequence/Location: Missense variant In silico tool predictions suggest damaging effect of the variant on gene or gene product [REVEL: 0.72 (>=0.6, sensitivity 0.68 and specificity 0.92)]. Therefore, this variant is classified as VUS according to the recommendation of ACMG/AMP guideline.

PreventionGenetics, part of Exact Sciences
Classification: Uncertain significance for ABCB4-related condition. Last evaluated: 2024-04-18. Review status: no assertion criteria provided. Collection method: clinical testing. Allele origin: germline. Not counted in ClinVar's aggregate classification.
Comment: The ABCB4 c.169A>G variant is predicted to result in the amino acid substitution p.Met57Val. To our knowledge, this variant has not been reported in the literature or in a large population database, indicating this variant is rare. At this time, the clinical significance of this variant is uncertain due to the absence of conclusive functional and genetic evidence.

NM_000443.4(ABCB4):c.169A>G (p.Met57Val)

Gene: ABCB4 (ATP binding cassette subfamily B member 4; minus strand). Cytogenetic location: 7q21.12.
Variant type: single nucleotide variant.
Coding change: c.169A>G on transcript NM_000443.4 (MANE Select); coding-DNA position 169, A replaced by G.
Protein change: p.Met57Val; replaces methionine 57 with valine.
Molecular consequence: missense variant.
Genome position (GRCh38, 1-based): chr7:87,462,875, T>C on the plus strand (A>G on the coding strand, the complement: ABCB4 is on the minus strand). VCF-style: chr7-87462875-T-C. GRCh37 (hg19) VCF-style: chr7-87092191-T-C.
Other names: c.169A>G, p.Met57Val (NM_018849.3, NM_018850.3); short protein forms M57V.
Identifiers: ClinVar variation 3347883 (VCV003347883.2).